The following is an entry in ClinVar:

ClinVar aggregate classification (germline): Uncertain significance (1 of 4 stars; one submission).

Conditions:
Alpha-methylacyl-CoA racemase deficiency (AMACRD). Also called: AMACR deficiency. Identifiers: Orphanet 79095, MedGen C3280428, MONDO:0013681, OMIM 614307. Disease mechanism: loss of function.

Submission:

Labcorp Genetics (formerly Invitae), Labcorp
Classification: Uncertain significance for Alpha-methylacyl-CoA racemase deficiency. Last evaluated: 2024-10-15. Review status: criteria provided, single submitter. Criteria: Invitae Variant Classification Sherloc (09022015). Collection method: clinical testing. Allele origin: germline.
Comment: This sequence change replaces glycine, which is neutral and non-polar, with valine, which is neutral and non-polar, at codon 13 of the AMACR protein (p.Gly13Val). This variant is not present in population databases (gnomAD no frequency). This variant has not been reported in the literature in individuals affected with AMACR-related conditions. ClinVar contains an entry for this variant (Variation ID: 1993674). Invitae Evidence Modeling of protein sequence and biophysical properties (such as structural, functional, and spatial information, amino acid conservation, physicochemical variation, residue mobility, and thermodynamic stability) indicates that this missense variant is expected to disrupt AMACR protein function with a positive predictive value of 80%. In summary, the available evidence is currently insufficient to determine the role of this variant in disease. Therefore, it has been classified as a Variant of Uncertain Significance.

NM_014324.6(AMACR):c.38G>T (p.Gly13Val)

Genes: AMACR (alpha-methylacyl-CoA racemase; minus strand), C1QTNF3-AMACR (C1QTNF3-AMACR readthrough (NMD candidate); minus strand). Cytogenetic location: 5p13.2.
Variant type: single nucleotide variant.
Coding change: c.38G>T on transcript NM_014324.6 (MANE Select); coding-DNA position 38, G replaced by T.
Protein change: p.Gly13Val; replaces glycine 13 with valine.
Molecular consequence: missense variant.
Genome position (GRCh38, 1-based): chr5:34,007,982, C>A on the plus strand (G>T on the coding strand, the complement: AMACR is on the minus strand). VCF-style: chr5-34007982-C-A. GRCh37 (hg19) VCF-style: chr5-34008087-C-A.
Other names: c.38G>T, p.Gly13Val (NM_001167595.2, NM_203382.3); short protein forms G13V.
Identifiers: ClinVar variation 1993674 (VCV001993674.4), dbSNP rs2479035154, ClinGen allele CA359385455.